The following is an entry in ClinVar:

NM_031885.5(BBS2):c.1999G>C (p.Glu667Gln)

Gene: BBS2 (Bardet-Biedl syndrome 2; minus strand). Cytogenetic location: 16q13.
Variant type: single nucleotide variant.
Coding change: c.1999G>C on transcript NM_031885.5 (MANE Select); coding-DNA position 1999, G replaced by C.
Protein change: p.Glu667Gln; replaces glutamic acid 667 with glutamine.
Molecular consequence: missense variant. On other transcripts: non-coding transcript variant (5).
Genome position (GRCh38, 1-based): chr16:56,485,650, C>G on the plus strand (G>C on the coding strand, the complement: BBS2 is on the minus strand). VCF-style: chr16-56485650-C-G. GRCh37 (hg19) VCF-style: chr16-56519562-C-G.
Other names: c.1999G>C, p.Glu667Gln (NM_001377456.1); short protein forms E667Q.
Identifiers: ClinVar variation 951358 (VCV000951358.7), dbSNP rs1476749003, ClinGen allele CA395973227.

ClinVar aggregate classification (germline): Uncertain significance. Review status: criteria provided, multiple submitters, no conflicts (2 of 4 stars). 4 submissions from 4 submitters: Uncertain significance (2). 2 of the submissions do not count toward it. Last evaluated 2025-11-05.

Conditions:
Inborn genetic diseases. Identifiers: MedGen C0950123, MeSH D030342.
Bardet-Biedl syndrome (BBS). Identifiers: Orphanet 110, MedGen C0752166, MONDO:0015229.
BBS2-related disorder. Also called: BBS2-related disorders; BBS2-related condition. Identifiers: MedGen CN239228.
Bardet-Biedl syndrome 2 (BBS2). Identifiers: Orphanet 110, MedGen C2936863, MONDO:0014432, OMIM 615981.

Allele frequency attached by ClinVar (database versions not stated): gnomAD 0.00001; gnomAD exomes 0.00001; TOPMed 0.00001.
gnomAD v4.1: 16 of 1,614,010 alleles (0.00099%); highest among the groups gnomAD compares: Admixed American, 0.0033%; no homozygotes.

Submissions (4):

Ambry Genetics
Classification: Uncertain significance for Inborn genetic diseases. Last evaluated: 2025-11-05. Review status: criteria provided, single submitter. Criteria: Ambry Variant Classification Scheme 2023. Collection method: clinical testing. Allele origin: germline.
Comment: The c.1999G>C (p.E667Q) alteration is located in exon 16 (coding exon 16) of the BBS2 gene. This alteration results from a G to C substitution at nucleotide position 1999, causing the glutamic acid (E) at amino acid position 667 to be replaced by a glutamine (Q). Based on data from gnomAD, the C allele has an overall frequency of 0.001% (3/251392) total alleles studied. The highest observed frequency was 0.006% (2/34592) of Latino alleles. Based on insufficient or conflicting evidence, the clinical significance of this alteration remains unclear.

Labcorp Genetics (formerly Invitae), Labcorp
Classification: Uncertain significance for Bardet-Biedl syndrome. Last evaluated: 2022-08-20. Review status: criteria provided, single submitter. Criteria: Invitae Variant Classification Sherloc (09022015). Collection method: clinical testing. Allele origin: germline.
Comment: This sequence change replaces glutamic acid, which is acidic and polar, with glutamine, which is neutral and polar, at codon 667 of the BBS2 protein (p.Glu667Gln). This variant is present in population databases (no rsID available, gnomAD 0.003%). This variant has not been reported in the literature in individuals affected with BBS2-related conditions. ClinVar contains an entry for this variant (Variation ID: 951358). Algorithms developed to predict the effect of missense changes on protein structure and function are either unavailable or do not agree on the potential impact of this missense change (SIFT: "Tolerated"; PolyPhen-2: "Possibly Damaging"; Align-GVGD: "Class C0"). In summary, the available evidence is currently insufficient to determine the role of this variant in disease. Therefore, it has been classified as a Variant of Uncertain Significance.

PreventionGenetics, part of Exact Sciences
Classification: Uncertain significance for BBS2-related condition. Last evaluated: 2024-08-20. Review status: no assertion criteria provided. Collection method: clinical testing. Allele origin: germline. Not counted in ClinVar's aggregate classification.
Comment: The BBS2 c.1999G>C variant is predicted to result in the amino acid substitution p.Glu667Gln. To our knowledge, this variant has not been reported in the literature. This variant is reported in 0.0058% of alleles in individuals of Latino descent in gnomAD. At this time, the clinical significance of this variant is uncertain due to the absence of conclusive functional and genetic evidence.

Natera, Inc.
Classification: Uncertain significance for Bardet-Biedl syndrome type 2. Last evaluated: 2021-07-06. Review status: no assertion criteria provided. Collection method: clinical testing. Allele origin: germline. Not counted in ClinVar's aggregate classification.